The following is an entry in ClinVar:

ClinVar aggregate classification (germline): Benign. Review status: criteria provided, multiple submitters, no conflicts (2 of 4 stars). 2 submissions from 2 submitters: Benign (2). Last evaluated 2020-09-17.

Conditions:
Bartter disease type 1. Also called: HYPERPROSTAGLANDIN E SYNDROME 1; HYPOKALEMIC ALKALOSIS WITH HYPERCALCIURIA 1, ANTENATAL; Bartter syndrome, type 1, antenatal; Bartter Syndrome type 1. Identifiers: Orphanet 112, Orphanet 620217, MedGen C1866495, MONDO:0100344, OMIM 601678, MONDO:0011127.

Allele frequency attached by ClinVar (database versions not stated): gnomAD exomes 0.00935; gnomAD 0.01932 and 0.02002; TOPMed 0.02214; 1000 Genomes Project 0.04613; 1000 Genomes Project 30x 0.04638.
gnomAD v4.1: 3,531 of 207,284 alleles (1.7%); highest among the groups gnomAD compares: East Asian, 7.9%; 110 homozygotes.

Submissions (2):

GeneDx
Classification: Benign. Last evaluated: 2020-09-17. Review status: criteria provided, single submitter. Criteria: GeneDx Variant Classification Process June 2021. Collection method: clinical testing. Allele origin: germline. Affected: yes.

Illumina Laboratory Services, Illumina
Classification: Benign for Bartter disease type 1. Last evaluated: 2018-01-13. Review status: criteria provided, single submitter. Criteria: ICSL Variant Classification Criteria 13 December 2019. Collection method: clinical testing. Allele origin: germline.
Comment: This variant was observed in the ICSL laboratory as part of a predisposition screen in an ostensibly healthy population. It had not been previously curated by ICSL or reported in the Human Gene Mutation Database (HGMD: prior to June 1st, 2018), and was therefore a candidate for classification through an automated scoring system. Utilizing variant allele frequency, disease prevalence and penetrance estimates, and inheritance mode, an automated score was calculated to assess if this variant is too frequent to cause the disease. Based on the score and internal cut-off values, a variant classified as benign is not then subjected to further curation. The score for this variant resulted in a classification of benign for this disease.

NM_000338.3(SLC12A1):c.*300T>C

Gene: SLC12A1 (solute carrier family 12 member 1; plus strand). Cytogenetic location: 15q21.1.
Variant type: single nucleotide variant.
Coding change: c.*300T>C on transcript NM_000338.3 (MANE Select); 300 bases downstream of the stop codon, T replaced by C.
Molecular consequence: 3 prime UTR variant.
Genome position (GRCh38, 1-based): chr15:48,303,185, T>C. VCF-style: chr15-48303185-T-C. GRCh37 (hg19) VCF-style: chr15-48595382-T-C.
Other names: c.*300T>C (NM_001184832.2).
Identifiers: ClinVar variation 316291 (VCV000316291.7), dbSNP rs78562329, ClinGen allele CA10636110.